The following is an entry in ClinVar:

ClinVar aggregate classification (germline): Uncertain significance (1 of 4 stars; one submission).

Submission:

GeneDx
Classification: Uncertain significance. Last evaluated: 2022-08-08. Review status: criteria provided, single submitter. Criteria: GeneDx Variant Classification Process June 2021. Collection method: clinical testing. Allele origin: germline. Affected: yes.
Comment: Not observed at significant frequency in large population cohorts (gnomAD); In silico analysis supports that this missense variant has a deleterious effect on protein structure/function; Has not been previously published as pathogenic or benign to our knowledge

NM_020937.4(FANCM):c.1712T>A (p.Val571Glu)

Gene: FANCM (FA complementation group M; plus strand). Cytogenetic location: 14q21.2.
Variant type: single nucleotide variant.
Coding change: c.1712T>A on transcript NM_020937.4 (MANE Select); coding-DNA position 1712, T replaced by A.
Protein change: p.Val571Glu; replaces valine 571 with glutamic acid.
Molecular consequence: missense variant.
Genome position (GRCh38, 1-based): chr14:45,164,489, T>A. VCF-style: chr14-45164489-T-A. GRCh37 (hg19) VCF-style: chr14-45633692-T-A.
Other names: c.1634T>A, p.Val545Glu (NM_001308133.2); c.1712T>A, p.Val571Glu (NM_001308134.2); short protein forms V545E, V571E.
Identifiers: ClinVar variation 2429591 (VCV002429591.1), dbSNP rs2503141193, ClinGen allele CA389593966.